The following is an entry in ClinVar:

NM_006363.6(SEC23B):c.1334C>G (p.Thr445Arg)

Gene: SEC23B (SEC23 homolog B, COPII component; plus strand). Cytogenetic location: 20p11.23.
Variant type: single nucleotide variant.
Coding change: c.1334C>G on transcript NM_006363.6 (MANE Select); coding-DNA position 1334, C replaced by G.
Protein change: p.Thr445Arg; replaces threonine 445 with arginine.
Molecular consequence: missense variant.
Genome position (GRCh38, 1-based): chr20:18,535,672, C>G. VCF-style: chr20-18535672-C-G. GRCh37 (hg19) VCF-style: chr20-18516316-C-G.
Other names: c.1334C>G, p.Thr445Arg (NM_001172745.3, NM_032985.6, NM_032986.5); c.1280C>G, p.Thr427Arg (NM_001172746.3); short protein forms T427R, T445R.
Identifiers: ClinVar variation 3896700 (VCV003896700.1).

ClinVar aggregate classification (germline): Likely pathogenic (1 of 4 stars; one submission).

Conditions:
Congenital dyserythropoietic anemia, type II (CDAN2). Also called: DYSERYTHROPOIETIC ANEMIA, HEMPAS TYPE. Identifiers: Orphanet 98873, MedGen C1306589, MONDO:0009134, OMIM 224100.

gnomAD v4.1: 1 of 1,614,014 alleles (0.000062%); highest among the groups gnomAD compares: Non-Finnish European, 0.000085%; no homozygotes.

Submission:

BloodGenetics
Classification: Likely pathogenic for Congenital dyserythropoietic anemia, type II. Last evaluated: 2025-03-12. Review status: criteria provided, single submitter. Criteria: ACMG Guidelines, 2015. Collection method: clinical testing. Allele origin: germline. Affected: yes. Observed: 1 variant allele.
Comment: The NM_006363.6(SEC23B): c.1334C>G (p.Thr445Arg) missense variant replaces threonine, which is polar and uncharged, with arginine, which is basic and polar, at codon 445 of the SEC23B protein (p.Thr445Arg). This variant is not observed at significant frequency in large population cohorts (gnomAD). This case is published in paper PMID: 37373084 where functional studies for this variant and other variants were done. In summary, this variant meets criteria to be classified as likely pathogenic for CDA type II based on the ACMG/AMP criteria applied: PP3strong, PM2supporting, PP2supporting.

Literature cited by the submitters: PubMed 37373084.